The following is an entry in ClinVar:

ClinVar aggregate classification (germline): Uncertain significance (1 of 4 stars; one submission).

Submission:

Labcorp Genetics (formerly Invitae), Labcorp
Classification: Uncertain significance. Last evaluated: 2023-08-17. Review status: criteria provided, single submitter. Criteria: Invitae Variant Classification Sherloc (09022015). Collection method: clinical testing. Allele origin: germline.
Comment: Experimental studies and prediction algorithms are not available or were not evaluated, and the functional significance of this variant is currently unknown. In summary, the available evidence is currently insufficient to determine the role of this variant in disease. Therefore, it has been classified as a Variant of Uncertain Significance. This variant has not been reported in the literature in individuals affected with PCLO-related conditions. This variant is not present in population databases (gnomAD no frequency). This sequence change replaces threonine, which is neutral and polar, with proline, which is neutral and non-polar, at codon 118 of the PCLO protein (p.Thr118Pro).

NM_033026.6(PCLO):c.352A>C (p.Thr118Pro)

Gene: PCLO (piccolo presynaptic cytomatrix protein; minus strand). Cytogenetic location: 7q21.11.
Variant type: single nucleotide variant.
Coding change: c.352A>C on transcript NM_033026.6 (MANE Select); coding-DNA position 352, A replaced by C.
Protein change: p.Thr118Pro; replaces threonine 118 with proline.
Molecular consequence: missense variant.
Genome position (GRCh38, 1-based): chr7:83,156,289, T>G on the plus strand (A>C on the coding strand, the complement: PCLO is on the minus strand). VCF-style: chr7-83156289-T-G. GRCh37 (hg19) VCF-style: chr7-82785605-T-G.
Other names: c.352A>C, p.Thr118Pro (NM_014510.3); short protein forms T118P.
Identifiers: ClinVar variation 2841394 (VCV002841394.3), dbSNP rs2484907343, ClinGen allele CA367921428.